The following is an entry in ClinVar:

ClinVar aggregate classification (germline): Uncertain significance (1 of 4 stars; one submission).

Allele frequency attached by ClinVar (database versions not stated): gnomAD exomes 0.00001; TOPMed 0.00001; gnomAD 0.00002; 1000 Genomes Project 30x 0.00016; 1000 Genomes Project 0.00020.
gnomAD v4.1: 12 of 1,612,418 alleles (0.00074%); highest among the groups gnomAD compares: African/African-American, 0.015%; no homozygotes.

Submission:

GeneDx
Classification: Uncertain significance. Last evaluated: 2024-04-29. Review status: criteria provided, single submitter. Criteria: GeneDx Variant Classification Process June 2021. Collection method: clinical testing. Allele origin: germline.
Comment: Not observed at significant frequency in large population cohorts (gnomAD); In silico analysis indicates that this missense variant does not alter protein structure/function; Has not been previously published as pathogenic or benign to our knowledge

NM_001198533.2(OXR1):c.1329A>G (p.Ile443Met)

Gene: OXR1 (oxidation resistance 1; plus strand). Cytogenetic location: 8q23.1.
Variant type: single nucleotide variant.
Coding change: c.1329A>G on transcript NM_001198533.2 (MANE Select); coding-DNA position 1329, A replaced by G.
Protein change: p.Ile443Met; replaces isoleucine 443 with methionine.
Molecular consequence: missense variant.
Genome position (GRCh38, 1-based): chr8:106,706,850, A>G. VCF-style: chr8-106706850-A-G. GRCh37 (hg19) VCF-style: chr8-107719078-A-G.
Other names: c.1332A>G, p.Ile444Met (NM_001198532.1); c.1329A>G, p.Ile443Met (NM_018002.3); c.1308A>G, p.Ile436Met (NM_181354.4); short protein forms I436M, I443M, I444M.
Identifiers: ClinVar variation 2573669 (VCV002573669.2), dbSNP rs199565146, ClinGen allele CA183400302.